The following is an entry in ClinVar:

ClinVar aggregate classification (germline): Benign/Likely benign. Review status: criteria provided, multiple submitters, no conflicts (2 of 4 stars). 3 submissions from 3 submitters: Benign (1); Likely benign (1). 1 of the submissions does not count toward it. Last evaluated 2026-01-12.

Conditions:
RGS9-related disorder. Also called: RGS9-related condition.

Allele frequency attached by ClinVar (database versions not stated): gnomAD 0.00005 and 0.00006; TOPMed 0.00006; ExAC 0.00007; gnomAD exomes 0.00011.
gnomAD v4.1: 100 of 1,613,166 alleles (0.0062%); highest among the groups gnomAD compares: Non-Finnish European, 0.0013%; no homozygotes.

Submissions (3):

Labcorp Genetics (formerly Invitae), Labcorp
Classification: Benign. Last evaluated: 2026-01-12. Review status: criteria provided, single submitter. Criteria: Invitae Variant Classification Sherloc (09022015). Collection method: clinical testing. Allele origin: germline.

Blueprint Genetics
Classification: Likely benign. Last evaluated: 2024-09-24. Review status: criteria provided, single submitter. Criteria: ACMG Guidelines, 2015. Collection method: clinical testing. Allele origin: germline.

PreventionGenetics, part of Exact Sciences
Classification: Likely benign for RGS9-related condition. Last evaluated: 2019-09-19. Review status: no assertion criteria provided. Collection method: clinical testing. Allele origin: germline. Not counted in ClinVar's aggregate classification.
Comment: This variant is classified as likely benign based on ACMG/AMP sequence variant interpretation guidelines (Richards et al. 2015 PMID: 25741868, with internal and published modifications).

NM_003835.4(RGS9):c.303C>T (p.Tyr101=)

Gene: RGS9 (regulator of G protein signaling 9; plus strand). Cytogenetic location: 17q24.1.
Variant type: single nucleotide variant.
Coding change: c.303C>T on transcript NM_003835.4 (MANE Select); coding-DNA position 303, C replaced by T.
Protein change: p.Tyr101=; no amino-acid change (tyrosine 101 retained).
Molecular consequence: synonymous variant.
Genome position (GRCh38, 1-based): chr17:65,160,330, C>T. VCF-style: chr17-65160330-C-T. GRCh37 (hg19) VCF-style: chr17-63156448-C-T.
Other names: c.303C>T, p.Tyr101= (NM_001081955.3, NM_001165933.2); c.303C>T (NM_003835.3).
Identifiers: ClinVar variation 1165305 (VCV001165305.12), dbSNP rs762893926, ClinGen allele CA8717582.